The following is an entry in ClinVar:

NM_015175.3(NBEAL2):c.2932G>A (p.Ala978Thr)

Gene: NBEAL2 (neurobeachin like 2; plus strand). Cytogenetic location: 3p21.31.
Variant type: single nucleotide variant.
Coding change: c.2932G>A on transcript NM_015175.3 (MANE Select); coding-DNA position 2932, G replaced by A.
Protein change: p.Ala978Thr; replaces alanine 978 with threonine.
Molecular consequence: missense variant.
Genome position (GRCh38, 1-based): chr3:46,997,668, G>A. VCF-style: chr3-46997668-G-A. GRCh37 (hg19) VCF-style: chr3-47039158-G-A.
Other names: c.2830G>A, p.Ala944Thr (NM_001365116.2); short protein forms A944T, A978T.
Identifiers: ClinVar variation 4860746 (VCV004860746.1).

ClinVar aggregate classification (germline): Uncertain significance (1 of 4 stars; one submission).

Conditions:
Inborn genetic diseases. Identifiers: MedGen C0950123, MeSH D030342.

gnomAD v4.1: 13 of 1,558,310 alleles (0.00083%); highest among the groups gnomAD compares: Non-Finnish European, 0.001%; no homozygotes.

Submission:

Ambry Genetics
Classification: Uncertain significance for Inborn genetic diseases. Last evaluated: 2026-05-10. Review status: criteria provided, single submitter. Criteria: Ambry Variant Classification Scheme 2023. Collection method: clinical testing. Allele origin: germline.
Comment: The c.2932G>A (p.A978T) alteration is located in exon 20 (coding exon 20) of the NBEAL2 gene. This alteration results from a G to A substitution at nucleotide position 2932, causing the alanine (A) at amino acid position 978 to be replaced by a threonine (T). Based on data from gnomAD, the A allele has an overall frequency of <0.001% (0/206600) total alleles studied. The highest observed frequency was <0.001% (/) of alleles. Based on insufficient or conflicting evidence, the clinical significance of this alteration remains unclear.